The following is an entry in ClinVar:

NM_004380.3(CREBBP):c.5785C>A (p.Pro1929Thr)

Gene: CREBBP (CREB binding lysine acetyltransferase; minus strand). Cytogenetic location: 16p13.3.
Variant type: single nucleotide variant.
Coding change: c.5785C>A on transcript NM_004380.3 (MANE Select); coding-DNA position 5785, C replaced by A.
Protein change: p.Pro1929Thr; replaces proline 1929 with threonine.
Molecular consequence: missense variant.
Genome position (GRCh38, 1-based): chr16:3,729,262, G>T on the plus strand (C>A on the coding strand, the complement: CREBBP is on the minus strand). VCF-style: chr16-3729262-G-T. GRCh37 (hg19) VCF-style: chr16-3779263-G-T.
Other names: c.5671C>A, p.Pro1891Thr (NM_001079846.1); c.5785C>A (NM_004380.2); short protein forms P1891T, P1929T.
Identifiers: ClinVar variation 2646132 (VCV002646132.26), dbSNP rs1451504925, ClinGen allele CA394555519.

ClinVar aggregate classification (germline): Uncertain significance. Review status: criteria provided, multiple submitters, no conflicts (2 of 4 stars). 3 submissions from 3 submitters: Uncertain significance (3). Last evaluated 2025-08-27.

Conditions:
CREBBP-related disorder. Also called: CREBBP-related disorders; CREBBP-related condition.
Inborn genetic diseases. Identifiers: MedGen C0950123, MeSH D030342.

Allele frequency attached by ClinVar (database versions not stated): gnomAD exomes below 0.00001; gnomAD 0.00001; TOPMed 0.00002.
gnomAD v4.1: 6 of 1,528,668 alleles (0.00039%); highest among the groups gnomAD compares: African/African-American, 0.0069%; no homozygotes.

Submissions (3):

Ambry Genetics
Classification: Uncertain significance for Inborn genetic diseases. Last evaluated: 2025-08-27. Review status: criteria provided, single submitter. Criteria: Ambry Variant Classification Scheme 2023. Collection method: clinical testing. Allele origin: germline.

PreventionGenetics, part of Exact Sciences
Classification: Uncertain significance for CREBBP-related condition. Last evaluated: 2025-01-15. Review status: criteria provided, single submitter. Criteria: ACMG Guidelines, 2015. Collection method: clinical testing. Allele origin: germline.
Comment: The CREBBP c.5785C>A variant is predicted to result in the amino acid substitution p.Pro1929Thr. To our knowledge, this variant has not been reported in the literature. This variant is reported in 0.012% of alleles in individuals of African descent in gnomAD. At this time, the clinical significance of this variant is uncertain due to the absence of conclusive functional and genetic evidence.

CeGaT Center for Human Genetics Tuebingen
Classification: Uncertain significance. Last evaluated: 2022-03-01. Review status: criteria provided, single submitter. Criteria: CeGaT Center For Human Genetics Tuebingen Variant Classification Criteria Version 2. Collection method: clinical testing. Allele origin: germline. Affected: yes. Observed: 1 variant allele.
Comment: CREBBP: PP2